The following is an entry in ClinVar:

ClinVar aggregate classification (germline): Likely benign (1 of 4 stars; one submission).

Conditions:
PCNT-related disorder. Also called: PCNT-related condition.

Submission:

PreventionGenetics, part of Exact Sciences
Classification: Likely benign for PCNT-related condition. Last evaluated: 2026-03-12. Review status: criteria provided, single submitter. Criteria: ACMG Guidelines, 2015. Collection method: clinical testing. Allele origin: germline.
Comment: This variant is classified as likely benign based on ACMG/AMP sequence variant interpretation guidelines (Richards et al. 2015 PMID: 25741868, with internal and published modifications).

NM_006031.6(PCNT):c.4003+4_4003+7dup

Gene: PCNT (pericentrin; plus strand). Cytogenetic location: 21q22.3.
Variant type: Duplication.
Coding change: c.4003+4_4003+7dup on transcript NM_006031.6 (MANE Select); bases 4 to 7 of the intron after coding-DNA position 4003, 4 bases duplicated (AGCA; older notation c.4003+4_4003+7dupAGCA).
Molecular consequence: intron variant.
Genome position (GRCh38, 1-based): chr21:46,390,836-46,390,839, AGCA duplicated. VCF-style (leftmost placement, unchanged base first): chr21-46390835-G-GAGCA. GRCh37 (hg19) VCF-style: chr21-47810750-G-GAGCA.
Other names: c.3649+4_3649+7dup (NM_001315529.2).
Identifiers: ClinVar variation 4990892 (VCV004990892.1).